The following is an entry in ClinVar:

ClinVar aggregate classification (germline): Conflicting classifications of pathogenicity. Review status: criteria provided, conflicting classifications (1 of 4 stars). 3 submissions from 3 submitters: Uncertain significance (2); Likely benign (1). Last evaluated 2022-11-01.

Conditions:
Achromatopsia 2 (ACHM2). Also called: ROD MONOCHROMACY 2; ROD MONOCHROMATISM 2; COLORBLINDNESS, TOTAL. Identifiers: Orphanet 49382, MedGen C1857618, MONDO:0009003, OMIM 216900.

Allele frequency attached by ClinVar (database versions not stated): gnomAD 0.00218 and 0.00203; gnomAD exomes 0.00272; 1000 Genomes Project 0.00200; TOPMed 0.00150; 1000 Genomes Project 30x 0.00187.

Submissions (3):

CeGaT Center for Human Genetics Tuebingen
Classification: Likely benign. Last evaluated: 2022-11-01. Review status: criteria provided, single submitter. Criteria: CeGaT Center For Human Genetics Tuebingen Variant Classification Criteria Version 2. Collection method: clinical testing. Allele origin: germline. Affected: yes. Observed: 1 variant allele.
Comment: CNGA3: BS2

Illumina Laboratory Services, Illumina
Classification: Uncertain significance for Achromatopsia 2. Last evaluated: 2018-01-13. Review status: criteria provided, single submitter. Criteria: ICSL Variant Classification Criteria 13 December 2019. Collection method: clinical testing. Allele origin: germline.

Breakthrough Genomics
Classification: Uncertain significance. Review status: criteria provided, single submitter. Criteria: ACMG Guidelines, 2015. Collection method: not provided. Allele origin: germline. Inheritance: Autosomal recessive inheritance. Affected: yes.

NM_001298.2(CNGA3):c.-383A>G

Gene: CNGA3 (cyclic nucleotide gated channel subunit alpha 3; plus strand). Cytogenetic location: 2q11.2.
Variant type: single nucleotide variant.
Coding change: c.-383A>G on transcript NM_001298.2; 383 bases upstream of the start codon, A replaced by G.
Genome position (GRCh38, 1-based): chr2:98,346,189, A>G. VCF-style: chr2-98346189-A-G. GRCh37 (hg19) VCF-style: chr2-98962652-A-G.
Identifiers: ClinVar variation 337646 (VCV000337646.30), dbSNP rs143449407, ClinGen allele CA10616505.